The following is an entry in ClinVar:

ClinVar aggregate classification (germline): Uncertain significance (1 of 4 stars; one submission).

Allele frequency attached by ClinVar (database versions not stated): TOPMed below 0.00001; gnomAD 0.00001.
gnomAD v4.1: 1 of 1,611,526 alleles (0.000062%); highest among the groups gnomAD compares: Non-Finnish European, 0.000085%; no homozygotes.

Submission:

Labcorp Genetics (formerly Invitae), Labcorp
Classification: Uncertain significance. Last evaluated: 2024-01-24. Review status: criteria provided, single submitter. Criteria: Invitae Variant Classification Sherloc (09022015). Collection method: clinical testing. Allele origin: germline.
Comment: This sequence change replaces histidine, which is basic and polar, with glutamine, which is neutral and polar, at codon 633 of the PLOD2 protein (p.His633Gln). This variant is not present in population databases (gnomAD no frequency). This variant has not been reported in the literature in individuals affected with PLOD2-related conditions. ClinVar contains an entry for this variant (Variation ID: 1995807). Advanced modeling of protein sequence and biophysical properties (such as structural, functional, and spatial information, amino acid conservation, physicochemical variation, residue mobility, and thermodynamic stability) performed at Invitae indicates that this missense variant is expected to disrupt PLOD2 protein function with a positive predictive value of 80%. In summary, the available evidence is currently insufficient to determine the role of this variant in disease. Therefore, it has been classified as a Variant of Uncertain Significance.

NM_182943.3(PLOD2):c.1899C>G (p.His633Gln)

Gene: PLOD2 (procollagen-lysine,2-oxoglutarate 5-dioxygenase 2; minus strand). Cytogenetic location: 3q24.
Variant type: single nucleotide variant.
Coding change: c.1899C>G on transcript NM_182943.3 (MANE Select); coding-DNA position 1899, C replaced by G.
Protein change: p.His633Gln; replaces histidine 633 with glutamine.
Molecular consequence: missense variant.
Genome position (GRCh38, 1-based): chr3:146,071,373, G>C on the plus strand (C>G on the coding strand, the complement: PLOD2 is on the minus strand). VCF-style: chr3-146071373-G-C. GRCh37 (hg19) VCF-style: chr3-145789160-G-C.
Other names: c.1836C>G, p.His612Gln (NM_000935.3); short protein forms H612Q, H633Q.
Identifiers: ClinVar variation 1995807 (VCV001995807.4), dbSNP rs1296425489, ClinGen allele CA354883453.